The following is an entry in ClinVar:

NM_022841.7(RFX7):c.3881C>T (p.Pro1294Leu)

Gene: RFX7 (regulatory factor X7; minus strand). Cytogenetic location: 15q21.3.
Variant type: single nucleotide variant.
Coding change: c.3881C>T on transcript NM_022841.7 (MANE Select); coding-DNA position 3881, C replaced by T.
Protein change: p.Pro1294Leu; replaces proline 1294 with leucine.
Molecular consequence: missense variant.
Genome position (GRCh38, 1-based): chr15:56,093,847, G>A on the plus strand (C>T on the coding strand, the complement: RFX7 is on the minus strand). VCF-style: chr15-56093847-G-A. GRCh37 (hg19) VCF-style: chr15-56386045-G-A.
Other names: c.3590C>T, p.Pro1197Leu (NM_001368073.2, NM_001368074.1, NM_001370554.1); c.3881C>T, p.Pro1294Leu (NM_001370561.1); short protein forms P1197L, P1294L.
Identifiers: ClinVar variation 5020239 (VCV005020239.1).

ClinVar aggregate classification (germline): Uncertain significance (1 of 4 stars; one submission).

Submission:

Dasa
Classification: Uncertain significance. Last evaluated: 2026-07-05. Review status: criteria provided, single submitter. Criteria: DASA Assertion Criteria. Collection method: clinical testing. Allele origin: germline.
Comment: NM_022841.7(RFX7):c.3881C>T (p.Pro1294Leu) is a missense variant that results in the substitution of proline with leucine. This variant is absent from population databases. The currently available literature and clinical evidence are not sufficient to establish a definitive association between this variant and the reported condition. Therefore, this variant is classified as a variant of uncertain significance.